The following is an entry in ClinVar:

ClinVar aggregate classification (germline): Pathogenic (1 of 4 stars; one submission).

Conditions:
Mullegama-Klein-Martinez syndrome. Also called: NEURODEVELOPMENTAL DISORDER, X-LINKED, WITH CRANIOFACIAL ABNORMALITIES. Identifiers: MedGen C5193008, MONDO:0026722, OMIM 301022.

Submission:

Victorian Clinical Genetics Services, Murdoch Childrens Research Institute
Classification: Pathogenic for Mullegama-Klein-Martinez syndrome. Last evaluated: 2026-03-17. Review status: criteria provided, single submitter. Criteria: ACMG Guidelines, 2015. Collection method: clinical testing. Allele origin: germline. Affected: yes.
Comment: This variant is classified as Pathogenic. Evidence in support of pathogenic classification: Variant is predicted to cause nonsense-mediated decay (NMD) and loss of protein (premature termination codon is located at least 54 nucleotides upstream of the final exon-exon junction); Variant is absent from gnomAD (v2, v3 and v4); Other NMD-predicted variant(s) comparable to the one identified in this case have very strong previous evidence for pathogenicity (DECIPHER); Additional information: This variant is heterozygous; This gene is associated with X-linked disease; This variant has no previous evidence of pathogenicity; No published evidence of segregation with disease has been identified for this variant; No published functional evidence has been identified for this variant; Loss of function is a known mechanism of disease in this gene and is associated with holoprosencephaly 13 (MIM#301043) and Mullegama-Klein-Martinez syndrome (MIM#301022).

NM_001042750.2(STAG2):c.1777C>T (p.Gln593Ter)

Gene: STAG2 (STAG2 cohesin complex component; plus strand). Cytogenetic location: Xq25.
Variant type: single nucleotide variant.
Coding change: c.1777C>T on transcript NM_001042750.2 (MANE Select); coding-DNA position 1777, C replaced by T.
Protein change: p.Gln593Ter; replaces glutamine 593 with a stop codon.
Molecular consequence: nonsense.
Genome position (GRCh38, 1-based): chrX:124,063,161, C>T. VCF-style: chrX-124063161-C-T. GRCh37 (hg19) VCF-style: chrX-123197011-C-T.
Other names: c.1777C>T, p.Gln593Ter (NM_001042749.2, NM_001042751.2, NM_001282418.2 and 23 more transcripts); short protein forms Q593*.
Identifiers: ClinVar variation 4879769 (VCV004879769.1).